The following is an entry in ClinVar:

NM_000481.4(AMT):c.311G>A (p.Gly104Glu)

Gene: AMT (aminomethyltransferase; minus strand). Cytogenetic location: 3p21.31.
Variant type: single nucleotide variant.
Coding change: c.311G>A on transcript NM_000481.4 (MANE Select); coding-DNA position 311, G replaced by A.
Protein change: p.Gly104Glu; replaces glycine 104 with glutamic acid.
Molecular consequence: missense variant. On other transcripts: non-coding transcript variant (1).
Genome position (GRCh38, 1-based): chr3:49,421,520, C>T on the plus strand (G>A on the coding strand, the complement: AMT is on the minus strand). VCF-style: chr3-49421520-C-T. GRCh37 (hg19) VCF-style: chr3-49458953-C-T.
Other names: c.311G>A, p.Gly104Glu (NM_001164710.2, NM_001164712.2); c.143G>A, p.Gly48Glu (NM_001164711.2); short protein forms G48E, G104E.
Identifiers: ClinVar variation 801973 (VCV000801973.5), dbSNP rs753221440, ClinGen allele CA352790880.

ClinVar aggregate classification (germline): Conflicting classifications of pathogenicity. Review status: criteria provided, conflicting classifications (1 of 4 stars). 3 submissions from 3 submitters: Likely pathogenic (1); Uncertain significance (2). Last evaluated 2025-05-29.

Conditions:
Glycine encephalopathy. Also called: Non-ketotic hyperglycinemia; Nonketotic hyperglycinemia. Identifiers: Orphanet 407, MedGen C0751748, MONDO:0011612, HP:0008288.

gnomAD v4.1: 1 of 1,614,160 alleles (0.000062%); highest among the groups gnomAD compares: Non-Finnish European, 0.000085%; no homozygotes.

Submissions (3):

Dasa
Classification: Uncertain significance. Last evaluated: 2025-05-29. Review status: criteria provided, single submitter. Criteria: DASA Assertion Criteria. Collection method: clinical testing. Allele origin: germline.
Comment: NM_000481.4(AMT):c.311G>A (p.Gly104Glu) is a missense variant that results in the substitution of glycine with glutamic acid. This variant is rare in population databases. The currently available literature and clinical evidence are not sufficient to establish a definitive association between this variant and the reported condition. Therefore, this variant is classified as a variant of uncertain significance.

3billion
Classification: Uncertain significance for Glycine encephalopathy 1. Last evaluated: 2022-01-03. Review status: criteria provided, single submitter. Criteria: ACMG Guidelines, 2015. Collection method: clinical testing. Allele origin: germline. Affected: yes. Observed: 1 homozygote.
Comment: Same nucleotide change resulting in same amino acid change has been previously reported to be associated with AMT related disorder (ClinVar ID: VCV000801973, PS1_P). It is not observed in the gnomAD v2.1.1 dataset (PM2_M). Therefore, this variant is classified as uncertain significance according to the recommendation of ACMG/AMP guideline.

Mendelics
Classification: Likely pathogenic for Glycine encephalopathy 1. Last evaluated: 2019-05-28. Review status: criteria provided, single submitter. Criteria: Mendelics Assertion Criteria 2017. Collection method: clinical testing. Allele origin: unknown.